The following is an entry in ClinVar:

NM_014270.5(SLC7A9):c.526G>A (p.Val176Ile)

Gene: SLC7A9 (solute carrier family 7 member 9; minus strand). Cytogenetic location: 19q13.11.
Variant type: single nucleotide variant.
Coding change: c.526G>A on transcript NM_014270.5 (MANE Select); coding-DNA position 526, G replaced by A.
Protein change: p.Val176Ile; replaces valine 176 with isoleucine.
Molecular consequence: missense variant.
Genome position (GRCh38, 1-based): chr19:32,862,539, C>T on the plus strand (G>A on the coding strand, the complement: SLC7A9 is on the minus strand). VCF-style: chr19-32862539-C-T. GRCh37 (hg19) VCF-style: chr19-33353445-C-T.
Other names: c.526G>A, p.Val176Ile (NM_001126335.2, NM_001243036.2); short protein forms V176I.
Identifiers: ClinVar variation 328757 (VCV000328757.15), dbSNP rs138744722, ClinGen allele CA9358796.

ClinVar aggregate classification (germline): Conflicting classifications of pathogenicity. Review status: criteria provided, conflicting classifications (1 of 4 stars). 7 submissions from 7 submitters: Uncertain significance (4); Likely benign (3). Last evaluated 2026-03-23.

Conditions:
Cystinuria (CSNU). Also called: CYSTINURIA, TYPE I; CYSTINURIA, TYPE II; CYSTINURIA, TYPE III; Cystinuria, non-type I. Identifiers: Orphanet 214, MedGen C0010691, MONDO:0009067, OMIM 220100, HP:0003131.
SLC7A9-related disorder. Also called: SLC7A9-related condition.

Allele frequency attached by ClinVar (database versions not stated): gnomAD exomes 0.00021 and 0.00062; ExAC 0.00059; 1000 Genomes Project 0.00060; 1000 Genomes Project 30x 0.00078; gnomAD 0.00150 and 0.00160; TOPMed 0.00167; ESP Exome Variant Server 0.00208.
gnomAD v4.1: 554 of 1,613,874 alleles (0.034%); highest among the groups gnomAD compares: African/African-American, 0.45%; 2 homozygotes.

Submissions (7):

PreventionGenetics, part of Exact Sciences
Classification: Likely benign for SLC7A9-related condition. Last evaluated: 2026-03-23. Review status: criteria provided, single submitter. Criteria: ACMG Guidelines, 2015. Collection method: clinical testing. Allele origin: germline.
Comment: This variant is classified as likely benign based on ACMG/AMP sequence variant interpretation guidelines (Richards et al. 2015 PMID: 25741868, with internal and published modifications).

Labcorp Genetics (formerly Invitae), Labcorp
Classification: Likely benign. Last evaluated: 2026-01-03. Review status: criteria provided, single submitter. Criteria: Invitae Variant Classification Sherloc (09022015). Collection method: clinical testing. Allele origin: germline.

Blueprint Genetics
Classification: Likely benign. Last evaluated: 2024-11-14. Review status: criteria provided, single submitter. Criteria: ACMG Guidelines, 2015. Collection method: clinical testing. Allele origin: germline.

Revvity Omics, Revvity
Classification: Uncertain significance for Cystinuria. Last evaluated: 2021-08-09. Review status: criteria provided, single submitter. Criteria: ACMG Guidelines, 2015. Collection method: clinical testing. Allele origin: germline.

Department of Pathology and Laboratory Medicine, Sinai Health System
Classification: Uncertain significance for Cystinuria. Last evaluated: 2021-07-30. Review status: criteria provided, single submitter. Criteria: ACMG Guidelines, 2015. Collection method: research. Allele origin: germline.

Illumina Laboratory Services, Illumina
Classification: Uncertain significance for Cystinuria. Last evaluated: 2018-01-13. Review status: criteria provided, single submitter. Criteria: ICSL Variant Classification Criteria 13 December 2019. Collection method: clinical testing. Allele origin: germline.

Breakthrough Genomics
Classification: Uncertain significance. Review status: criteria provided, single submitter. Criteria: ACMG Guidelines, 2015. Collection method: not provided. Allele origin: germline. Inheritance: Autosomal dominant inheritance. Affected: yes.